The following is an entry in ClinVar:

NM_001164508.2(NEB):c.8942C>G (p.Pro2981Arg)

Gene: NEB (nebulin; minus strand). Cytogenetic location: 2q23.3.
Variant type: single nucleotide variant.
Coding change: c.8942C>G on transcript NM_001164508.2 (MANE Select); coding-DNA position 8942, C replaced by G.
Protein change: p.Pro2981Arg; replaces proline 2981 with arginine.
Molecular consequence: missense variant. On other transcripts: intron variant (1).
Genome position (GRCh38, 1-based): chr2:151,639,332, G>C on the plus strand (C>G on the coding strand, the complement: NEB is on the minus strand). VCF-style: chr2-151639332-G-C. GRCh37 (hg19) VCF-style: chr2-152495846-G-C.
Other names: c.8942C>G, p.Pro2981Arg (NM_001164507.2, NM_001271208.2); c.8853+561C>G (NM_004543.5); short protein forms P2981R.
Identifiers: ClinVar variation 1313581 (VCV001313581.2), dbSNP rs1043986745, ClinGen allele CA57663745.

ClinVar aggregate classification (germline): Uncertain significance (1 of 4 stars; one submission).

Allele frequency attached by ClinVar (database versions not stated): TOPMed below 0.00001; gnomAD 0.00001.
gnomAD v4.1: 1 of 1,545,742 alleles (0.000065%); highest among the groups gnomAD compares: African/African-American, 0.0014%; no homozygotes.

Submission:

GeneDx
Classification: Uncertain significance. Last evaluated: 2021-05-24. Review status: criteria provided, single submitter. Criteria: GeneDx Variant Classification Process June 2021. Collection method: clinical testing. Allele origin: germline. Affected: yes.
Comment: Not observed in large population cohorts (Lek et al., 2016); In silico analysis supports that this missense variant has a deleterious effect on protein structure/function; Has not been previously published as pathogenic or benign to our knowledge